The following is an entry in ClinVar:

NM_014956.5(CEP164):c.2010A>G (p.Leu670=)

Gene: CEP164 (centrosomal protein 164; plus strand). Cytogenetic location: 11q23.3.
Variant type: single nucleotide variant.
Coding change: c.2010A>G on transcript NM_014956.5 (MANE Select); coding-DNA position 2010, A replaced by G.
Protein change: p.Leu670=; no amino-acid change (leucine 670 retained).
Molecular consequence: synonymous variant.
Genome position (GRCh38, 1-based): chr11:117,390,852, A>G. VCF-style: chr11-117390852-A-G. GRCh37 (hg19) VCF-style: chr11-117261568-A-G.
Other names: c.2019A>G, p.Leu673= (NM_001271933.2, NM_001440949.1); c.2010A>G, p.Leu670= (NM_001440950.1, NM_001440951.1, NM_001440953.1); c.1845A>G, p.Leu615= (NM_001440952.1, NM_001440968.1, NM_001440969.1); c.1932A>G, p.Leu644= (NM_001440954.1, NM_001440955.1, NM_001440958.1 and 1 more transcripts); c.1923A>G, p.Leu641= (NM_001440956.1, NM_001440957.1); c.1881A>G, p.Leu627= (NM_001440960.1); c.1872A>G, p.Leu624= (NM_001440961.1, NM_001440967.1); c.1863A>G, p.Leu621= (NM_001440962.1, NM_001440963.1, NM_001440964.1 and 4 more transcripts); and 8 more.
Identifiers: ClinVar variation 4701029 (VCV004701029.2).

ClinVar aggregate classification (germline): Likely benign. Review status: criteria provided, multiple submitters, no conflicts (2 of 4 stars). 2 submissions from 2 submitters: Likely benign (2). Last evaluated 2025-09-06.

Conditions:
CEP164-related disorder. Also called: CEP164-related condition.
Nephronophthisis 15 (NPHP15). Identifiers: Orphanet 3156, MedGen C3541853, MONDO:0013917, OMIM 614845.

gnomAD v4.1: 5 of 1,613,660 alleles (0.00031%); highest among the groups gnomAD compares: African/African-American, 0.0053%; no homozygotes.

Submissions (2):

Labcorp Genetics (formerly Invitae), Labcorp
Classification: Likely benign for Nephronophthisis 15. Last evaluated: 2025-09-06. Review status: criteria provided, single submitter. Criteria: Invitae Variant Classification Sherloc (09022015). Collection method: clinical testing. Allele origin: germline.

PreventionGenetics, part of Exact Sciences
Classification: Likely benign for CEP164-related condition. Last evaluated: 2025-01-08. Review status: criteria provided, single submitter. Criteria: ACMG Guidelines, 2015. Collection method: clinical testing. Allele origin: germline.
Comment: This variant is classified as likely benign based on ACMG/AMP sequence variant interpretation guidelines (Richards et al. 2015 PMID: 25741868, with internal and published modifications).